The following is an entry in ClinVar:

ClinVar aggregate classification (germline): Likely benign (1 of 4 stars; one submission).

Submission:

CeGaT Center for Human Genetics Tuebingen
Classification: Likely benign. Last evaluated: 2025-12-01. Review status: criteria provided, single submitter. Criteria: CeGaT Center For Human Genetics Tuebingen Variant Classification Criteria Version 2. Collection method: clinical testing. Allele origin: germline. Affected: yes. Observed: 1 variant allele.
Comment: SGCE: PM2:Supporting, BP4, BP7

NM_003919.3(SGCE):c.391-156C>T

Genes: CASD1 (CAS1 domain sialic acid O acetyltransferase 1; plus strand), SGCE (sarcoglycan epsilon; minus strand). Cytogenetic location: 7q21.3.
Variant type: single nucleotide variant.
Coding change: c.391-156C>T on transcript NM_003919.3 (MANE Select); 156 bases into the intron before coding-DNA position 391, C replaced by T.
Molecular consequence: intron variant.
Genome position (GRCh38, 1-based): chr7:94,623,553, G>A on the plus strand (C>T on the coding strand, the complement: SGCE is on the minus strand). VCF-style: chr7-94623553-G-A. GRCh37 (hg19) VCF-style: chr7-94252865-G-A.
Other names: c.268-156C>T (NM_001362809.2, NM_001301139.2); c.391-156C>T (NM_001346717.2, NM_001099400.2, NM_001099401.2); c.499-156C>T (NM_001346715.2, NM_001346713.2); c.304-156C>T (NM_001362807.2, NM_001346719.2); c.118-156C>T (NM_001362808.2, NM_001346720.2).
Identifiers: ClinVar variation 4681924 (VCV004681924.5).